The following is an entry in ClinVar:

NM_000397.4(CYBB):c.1414G>A (p.Gly472Ser)

Gene: CYBB (cytochrome b-245 beta chain; plus strand). Cytogenetic location: Xp11.4.
Variant type: single nucleotide variant.
Coding change: c.1414G>A on transcript NM_000397.4 (MANE Select); coding-DNA position 1414, G replaced by A.
Protein change: p.Gly472Ser; replaces glycine 472 with serine.
Molecular consequence: missense variant.
Genome position (GRCh38, 1-based): chrX:37,806,486, G>A. VCF-style: chrX-37806486-G-A. GRCh37 (hg19) VCF-style: chrX-37665739-G-A.
Other names: short protein forms G472S.
Identifiers: ClinVar variation 732210 (VCV000732210.39), dbSNP rs13306300, ClinGen allele CA10383891.

ClinVar aggregate classification (germline): Conflicting classifications of pathogenicity. Review status: criteria provided, conflicting classifications (1 of 4 stars). 7 submissions from 7 submitters: Uncertain significance (1); Benign (3); Likely benign (2). 1 of the submissions does not count toward it. Last evaluated 2026-07-01.

Conditions:
CYBB-related disorder. Also called: CYBB-related condition.
Chronic granulomatous disease. Identifiers: Orphanet 379, MedGen C0018203, MONDO:0018305.
Granulomatous disease, chronic, X-linked. Also called: CYTOCHROME b-NEGATIVE GRANULOMATOUS DISEASE, CHRONIC, X-LINKED; GRANULOMATOUS DISEASE, CHRONIC, X-LINKED, SOMATIC MOSAIC. Identifiers: Orphanet 379, MedGen C1844376, MONDO:0010600, OMIM 306400.
X-linked Mendelian susceptibility to mycobacterial diseases due to CYBB deficiency. Also called: IMMUNODEFICIENCY 34; IMMUNODEFICIENCY 34, MYCOBACTERIOSIS, X-LINKED. Identifiers: Orphanet 319605, MedGen C1970859, MONDO:0010389, OMIM 300645.

Allele frequency attached by ClinVar (database versions not stated): gnomAD 0.00018 and 0.00031; TOPMed 0.00048; gnomAD exomes 0.00053 and 0.00089; ExAC 0.00094; 1000 Genomes Project 30x 0.00187; 1000 Genomes Project 0.00212.
gnomAD v4.1: 598 of 1,209,121 alleles (0.049%); highest among the groups gnomAD compares: East Asian, 1.6%; 2 homozygotes.

Submissions (7):

CeGaT Center for Human Genetics Tuebingen
Classification: Benign. Last evaluated: 2026-07-01. Review status: criteria provided, single submitter. Criteria: CeGaT Center For Human Genetics Tuebingen Variant Classification Criteria Version 2. Collection method: clinical testing. Allele origin: germline. Affected: yes. Observed: 2 variant alleles.
Comment: CYBB: BS1, BS2

Labcorp Genetics (formerly Invitae), Labcorp
Classification: Benign for Granulomatous disease, chronic, X-linked. Last evaluated: 2026-01-28. Review status: criteria provided, single submitter. Criteria: Invitae Variant Classification Sherloc (09022015). Collection method: clinical testing. Allele origin: germline.

Blueprint Genetics
Classification: Likely benign. Last evaluated: 2024-10-28. Review status: criteria provided, single submitter. Criteria: ACMG Guidelines, 2015. Collection method: clinical testing. Allele origin: germline.

PreventionGenetics, part of Exact Sciences
Classification: Uncertain significance for CYBB-related condition. Last evaluated: 2023-06-12. Review status: criteria provided, single submitter. Criteria: ACMG Guidelines, 2015. Collection method: clinical testing. Allele origin: germline.
Comment: The CYBB c.1414G>A variant is predicted to result in the amino acid substitution p.Gly472Ser. This variant is reported in 1.1% of alleles in individuals of East Asian descent in gnomAD, including 45 hemizygotes in that subpopulation, which may be too common to be causative. This variant is also reported as likely benign/benign in ClinVar. However, at this time, the clinical significance of this variant is uncertain due to the absence of conclusive functional and genetic evidence.

Women's Health and Genetics/Laboratory Corporation of America, LabCorp
Classification: Benign. Last evaluated: 2022-10-20. Review status: criteria provided, single submitter. Criteria: LabCorp Variant Classification Summary - May 2015. Collection method: clinical testing. Allele origin: germline.
Comment: Variant summary: CYBB c.1414G>A (p.Gly472Ser) results in a non-conservative amino acid change located in the Ferric reductase, NAD binding domain (IPR013121) of the encoded protein sequence. Four of five in-silico tools predict a benign effect of the variant on protein function. The variant allele was found at a frequency of 0.00084 in 204242 control chromosomes (gnomAD), with 48 hemizygotes. The variant occurs predominantly at a frequency of 0.011 within the East Asian subpopulation in the gnomAD database, including 45 hemizygotes. The observed variant frequency within East Asian control individuals in the gnomAD database is approximately 6 fold of the estimated maximal expected allele frequency for a pathogenic variant in CYBB causing X-Linked Chronic Granulomatous Disease (0.0019), strongly suggesting that the variant is a benign polymorphism found primarily in populations of East Asian origin. To our knowledge, no experimental evidence demonstrating its impact on protein function have been reported. Two ClinVar submitters have assessed the variant since 2014: both classified the variant as benign. Based on the evidence outlined above, the variant was classified as benign.

Fulgent Genetics
Classification: Likely benign for X-linked Mendelian susceptibility to mycobacterial diseases due to CYBB deficiency; Granulomatous disease, chronic, X-linked. Last evaluated: 2022-04-21. Review status: criteria provided, single submitter. Criteria: ACMG Guidelines, 2015. Collection method: clinical testing. Allele origin: unknown.

Natera, Inc.
Classification: Benign for Chronic granulomatous disease. Last evaluated: 2020-01-21. Review status: no assertion criteria provided. Collection method: clinical testing. Allele origin: germline. Not counted in ClinVar's aggregate classification.